The following is an entry in ClinVar:

ClinVar aggregate classification (germline): Uncertain significance. Review status: criteria provided, multiple submitters, no conflicts (2 of 4 stars). 2 submissions from 2 submitters: Uncertain significance (2). Last evaluated 2024-10-22.

Allele frequency attached by ClinVar (database versions not stated): ExAC 0.00001; TOPMed 0.00001; gnomAD 0.00002 and 0.00003; gnomAD exomes 0.00002 and 0.00005; 1000 Genomes Project 30x 0.00016; 1000 Genomes Project 0.00020.
gnomAD v4.1: 70 of 1,614,204 alleles (0.0043%); highest among the groups gnomAD compares: Middle Eastern, 0.016%; no homozygotes.

Submissions (2):

Blueprint Genetics
Classification: Uncertain significance. Last evaluated: 2024-10-22. Review status: criteria provided, single submitter. Criteria: ACMG Guidelines, 2015. Collection method: clinical testing. Allele origin: germline.

Labcorp Genetics (formerly Invitae), Labcorp
Classification: Uncertain significance. Last evaluated: 2022-10-17. Review status: criteria provided, single submitter. Criteria: Invitae Variant Classification Sherloc (09022015). Collection method: clinical testing. Allele origin: germline.
Comment: This sequence change replaces histidine, which is basic and polar, with aspartic acid, which is acidic and polar, at codon 920 of the MERTK protein (p.His920Asp). This variant is present in population databases (rs189194232, gnomAD 0.004%). This variant has not been reported in the literature in individuals affected with MERTK-related conditions. ClinVar contains an entry for this variant (Variation ID: 1036311). Algorithms developed to predict the effect of missense changes on protein structure and function (SIFT, PolyPhen-2, Align-GVGD) all suggest that this variant is likely to be disruptive. In summary, the available evidence is currently insufficient to determine the role of this variant in disease. Therefore, it has been classified as a Variant of Uncertain Significance.

NM_006343.3(MERTK):c.2758C>G (p.His920Asp)

Gene: MERTK (MER proto-oncogene, tyrosine kinase; plus strand). Cytogenetic location: 2q13.
Variant type: single nucleotide variant.
Coding change: c.2758C>G on transcript NM_006343.3 (MANE Select); coding-DNA position 2758, C replaced by G.
Protein change: p.His920Asp; replaces histidine 920 with aspartic acid.
Molecular consequence: missense variant.
Genome position (GRCh38, 1-based): chr2:112,028,622, C>G. VCF-style: chr2-112028622-C-G. GRCh37 (hg19) VCF-style: chr2-112786199-C-G.
Other names: short protein forms H920D.
Identifiers: ClinVar variation 1036311 (VCV001036311.7), dbSNP rs189194232, ClinGen allele CA1831965.